The following is an entry in ClinVar:

ClinVar aggregate classification (germline): Pathogenic/Likely pathogenic. Review status: criteria provided, multiple submitters, no conflicts (2 of 4 stars). 10 submissions from 10 submitters: Pathogenic (7); Likely pathogenic (2). 1 of the submissions does not count toward it. Last evaluated 2026-04-14.

Conditions:
ABCB11-related disorder. Also called: ABCB11-related condition.
Benign recurrent intrahepatic cholestasis type 2 (BRIC2). Also called: Recurrent familial intrahepatic cholestasis 2. Identifiers: Orphanet 65682, Orphanet 99961, MedGen C2608083, MONDO:0011559, OMIM 605479.
Progressive familial intrahepatic cholestasis type 2. Identifiers: Orphanet 79304, MedGen C3489789, MONDO:0011156, OMIM 601847.
Familial intrahepatic cholestasis. Identifiers: Orphanet 284385, MedGen CN296401, MONDO:0017290.
Progressive familial intrahepatic cholestasis (PFIC). Also called: Progressive family intrahepatic cholestasis; Progressive intrahepatic cholestasis. Identifiers: Orphanet 172, MedGen C0268312, MONDO:0015762.

Allele frequency attached by ClinVar (database versions not stated): TOPMed 0.00001.
gnomAD v4.1: 6 of 1,611,910 alleles (0.00037%); highest among the groups gnomAD compares: Admixed American, 0.0017%; no homozygotes.

Submissions (10):

Genomenon, Inc
Classification: Likely pathogenic for Familial intrahepatic cholestasis. Last evaluated: 2026-04-14. Review status: criteria provided, single submitter. Criteria: Genomenon Sequence Variant Interpretation Standards - Updated. Collection method: curation. Allele origin: germline. Affected: yes.
Comment: ABCB11 p.Arg470Gln (c.1409G>A) is a missense variant that changes the amino acid at residue 470 from Arginine to Glutamine. This variant has been observed in at least one proband with an ABCB11-related disorder (PMID:37471416;35780807;34828443;34016879;18395098;26678486;27050426). Functional studies have been reported (PMID:19101985). It is absent or not present at a significant frequency in gnomAD. In silico models predict that this variant is possibly or probably damaging. In conclusion, we classify ABCB11 p.Arg470Gln (c.1409G>A) as a likely pathogenic variant.

Labcorp Genetics (formerly Invitae), Labcorp
Classification: Pathogenic. Last evaluated: 2025-12-11. Review status: criteria provided, single submitter. Criteria: Invitae Variant Classification Sherloc (09022015). Collection method: clinical testing. Allele origin: germline.
Comment: This sequence change replaces arginine, which is basic and polar, with glutamine, which is neutral and polar, at codon 470 of the ABCB11 protein (p.Arg470Gln). This variant is not present in population databases (gnomAD no frequency). This missense change has been observed in individuals with familial intrahepatic cholestasis (PMID: 18395098, 26678486, 27050426). ClinVar contains an entry for this variant (Variation ID: 956883). Invitae Evidence Modeling of protein sequence and biophysical properties (such as structural, functional, and spatial information, amino acid conservation, physicochemical variation, residue mobility, and thermodynamic stability) indicates that this missense variant is expected to disrupt ABCB11 protein function with a positive predictive value of 80%. Experimental studies have shown that this missense change affects ABCB11 function (PMID: 19101985). For these reasons, this variant has been classified as Pathogenic.

Natera, Inc.
Classification: Pathogenic for Progressive familial intrahepatic cholestasis type 2. Last evaluated: 2025-07-03. Review status: criteria provided, single submitter. Criteria: Natera Variant Classification Schema (03/2026). Collection method: clinical testing. Allele origin: germline.
Comment: The c.1409G>A variant in ABCB11 is a missense variant predicted to cause substitution of arginine to glutamine at amino acid 470. This variant is rare in the general population with a frequency below the threshold expected for the associated phenotype(s). This variant has been observed in one or more individuals affected with the associated recessive disease, as either homozygous or compound heterozygous with a second variant (PMID: 26678486, 34016879). Computational prediction algorithms indicate this variant is likely to affect gene or protein function. Given the available evidence, this variant is classified as Pathogenic.

PreventionGenetics, part of Exact Sciences
Classification: Pathogenic for ABCB11-related condition. Last evaluated: 2025-05-22. Review status: criteria provided, single submitter. Criteria: ACMG Guidelines, 2015. Collection method: clinical testing. Allele origin: germline.
Comment: The ABCB11 c.1409G>A variant is predicted to result in the amino acid substitution p.Arg470Gln. This variant has been reported in the homozygous and compound heterozygous state with another ABCB11 variant in multiple unrelated individuals with familial hepatic cholestasis (Strautnieks et al. 2008. PubMed ID: 18395098; Giovannoni et al. 2015. PubMed ID: 26678486; Hertel et al. 2021. PubMed ID: 34016879, Wang et al. 2016. PubMed ID: 27050426; Nayagam et al. 2022. PubMed ID: 35894240). This variant has not been reported in a large population database (gnomAD), indicating this variant is rare. This variant is interpreted as pathogenic.

Fulgent Genetics
Classification: Likely pathogenic for Progressive familial intrahepatic cholestasis type 2; Benign recurrent intrahepatic cholestasis type 2. Last evaluated: 2024-04-02. Review status: criteria provided, single submitter. Criteria: ACMG Guidelines, 2015. Collection method: clinical testing. Allele origin: germline.

Women's Health and Genetics/Laboratory Corporation of America, LabCorp
Classification: Pathogenic for Progressive familial intrahepatic cholestasis. Last evaluated: 2024-04-01. Review status: criteria provided, single submitter. Criteria: LabCorp Variant Classification Summary - May 2015. Collection method: clinical testing. Allele origin: germline.
Comment: Variant summary: ABCB11 c.1409G>A (p.Arg470Gln) results in a conservative amino acid change located in the ABC transporter-like, ATP-binding domain (IPR003439) of the encoded protein sequence. Three of five in-silico tools predict a damaging effect of the variant on protein function. The variant was absent in 248772 control chromosomes. c.1409G>A has been reported in the literature in multiple individuals affected with Familial Intrahepatic Cholestasis (Giovannoni_2015, Strautnieks_2008). These data indicate that the variant is very likely to be associated with disease. At least one publication reports experimental evidence evaluating an impact on protein function indicating lack of mature protein (Byrne_2009). The following publications have been ascertained in the context of this evaluation (PMID: 19101985, 26678486, 18395098). ClinVar contains an entry for this variant (Variation ID: 956883). Based on the evidence outlined above, the variant was classified as pathogenic.

Baylor Genetics
Classification: Pathogenic for Benign recurrent intrahepatic cholestasis type 2. Last evaluated: 2024-01-01. Review status: criteria provided, single submitter. Criteria: ACMG Guidelines, 2015. Collection method: clinical testing. Allele origin: unknown.

Revvity Omics, Revvity
Classification: Pathogenic. Last evaluated: 2021-03-08. Review status: criteria provided, single submitter. Criteria: ACMG Guidelines, 2015. Collection method: clinical testing. Allele origin: germline.

Blueprint Genetics
Classification: Pathogenic for ABCB11-related disorders. Last evaluated: 2020-08-12. Review status: criteria provided, single submitter. Criteria: ACMG Guidelines, 2015. Collection method: clinical testing. Allele origin: germline. Affected: yes. Observed: 1 variant allele.

Genomics And Bioinformatics Analysis Resource, Columbia University
Classification: Pathogenic for Progressive familial intrahepatic cholestasis type 2. Review status: no assertion criteria provided. Collection method: research. Allele origin: unknown. Affected: yes. Not counted in ClinVar's aggregate classification.
Comment: Compound Heterozygous

Literature cited by the submitters: PubMed 37471416 (cited by Genomenon, Inc); PubMed 35780807 (cited by Genomenon, Inc); PubMed 34828443 (cited by Genomenon, Inc); PubMed 34016879 (cited by Genomenon, Inc and Natera, Inc.); PubMed 18395098 (cited by 3 submitters); PubMed 26678486 (cited by 4 submitters); PubMed 27050426 (cited by Genomenon, Inc and Labcorp Genetics (formerly Invitae), Labcorp); PubMed 19101985 (cited by 3 submitters).

NM_003742.4(ABCB11):c.1409G>A (p.Arg470Gln)

Gene: ABCB11 (ATP binding cassette subfamily B member 11; minus strand). Cytogenetic location: 2q31.1.
Variant type: single nucleotide variant.
Coding change: c.1409G>A on transcript NM_003742.4 (MANE Select); coding-DNA position 1409, G replaced by A.
Protein change: p.Arg470Gln; replaces arginine 470 with glutamine.
Molecular consequence: missense variant.
Genome position (GRCh38, 1-based): chr2:168,973,740, C>T on the plus strand (G>A on the coding strand, the complement: ABCB11 is on the minus strand). VCF-style: chr2-168973740-C-T. GRCh37 (hg19) VCF-style: chr2-169830250-C-T.
Other names: short protein forms R470Q.
Identifiers: ClinVar variation 956883 (VCV000956883.22), dbSNP rs1463057954, ClinGen allele CA349117050.